The following is an entry in ClinVar:

ClinVar aggregate classification (germline): Uncertain significance (1 of 4 stars; one submission).

Conditions:
Familial hemophagocytic lymphohistiocytosis 3 (FHL3). Also called: UNC13D-Related Familial Hemophagocytic Lymphohistiocytosis (UNC13D-fHLH). Identifiers: Orphanet 540, MedGen C1837174, MONDO:0012146, OMIM 608898.

gnomAD v4.1: 1 of 1,613,988 alleles (0.000062%); highest among the groups gnomAD compares: Non-Finnish European, 0.000085%; no homozygotes.

Submission:

Labcorp Genetics (formerly Invitae), Labcorp
Classification: Uncertain significance for Familial hemophagocytic lymphohistiocytosis 3. Last evaluated: 2024-05-11. Review status: criteria provided, single submitter. Criteria: Invitae Variant Classification Sherloc (09022015). Collection method: clinical testing. Allele origin: germline.
Comment: This sequence change replaces leucine, which is neutral and non-polar, with valine, which is neutral and non-polar, at codon 864 of the UNC13D protein (p.Leu864Val). This variant is not present in population databases (gnomAD no frequency). This variant has not been reported in the literature in individuals affected with UNC13D-related conditions. ClinVar contains an entry for this variant (Variation ID: 1405323). Advanced modeling of protein sequence and biophysical properties (such as structural, functional, and spatial information, amino acid conservation, physicochemical variation, residue mobility, and thermodynamic stability) performed at Invitae indicates that this missense variant is not expected to disrupt UNC13D protein function with a negative predictive value of 80%. In summary, the available evidence is currently insufficient to determine the role of this variant in disease. Therefore, it has been classified as a Variant of Uncertain Significance.

NM_199242.3(UNC13D):c.2590C>G (p.Leu864Val)

Gene: UNC13D (unc-13 homolog D; minus strand). Cytogenetic location: 17q25.1.
Variant type: single nucleotide variant.
Coding change: c.2590C>G on transcript NM_199242.3 (MANE Select); coding-DNA position 2590, C replaced by G.
Protein change: p.Leu864Val; replaces leucine 864 with valine.
Molecular consequence: missense variant.
Genome position (GRCh38, 1-based): chr17:75,831,133, G>C on the plus strand (C>G on the coding strand, the complement: UNC13D is on the minus strand). VCF-style: chr17-75831133-G-C. GRCh37 (hg19) VCF-style: chr17-73827214-G-C.
Other names: short protein forms L864V.
Identifiers: ClinVar variation 1405323 (VCV001405323.6), dbSNP rs765645010, ClinGen allele CA401081243.
Genomic context (GRCh38, chr17:75,831,133, plus strand): 5'-GGGGAAGCTCACCCAAAGCCCCTACCTGGAAGGTGGCAGTGTGCAGGGCCTTGGGTGGCA[G>C]GCCACAGCCCTCAGCGTGGAAGCAGATCTCCAGGTTCTGGGGGAGATATCAGAGGTGACC-3'
Protein context (NP_954712.1, residues 854-874): EICFHAEGCG[Leu864Val]PPKALHTATF